The following is an entry in ClinVar:

ClinVar aggregate classification (germline): Uncertain significance (1 of 4 stars; one submission).

Submission:

Labcorp Genetics (formerly Invitae), Labcorp
Classification: Uncertain significance. Last evaluated: 2022-05-05. Review status: criteria provided, single submitter. Criteria: Invitae Variant Classification Sherloc (09022015). Collection method: clinical testing. Allele origin: germline.
Comment: A copy number gain of the genomic region encompassing the full coding sequence of the SGPL1 gene has been identified. The boundaries of this event are unknown as they extend beyond the assayed region for this gene and therefore may encompass additional genes. As the precise location of this event is unknown, it may be in tandem or it may be located elsewhere in the genome. This variant has not been reported in the literature in individuals affected with SGPL1-related conditions. Experimental studies and prediction algorithms are not available or were not evaluated, and the functional significance of this variant is currently unknown. In summary, the available evidence is currently insufficient to determine the role of this variant in disease. Therefore, it has been classified as a Variant of Uncertain Significance.

NC_000010.10:g.(?_72576610)_(72648290_?)dup

Genes: PCBD1 (pterin-4 alpha-carbinolamine dehydratase 1; minus strand), SGPL1 (sphingosine-1-phosphate lyase 1; plus strand). Cytogenetic location: 10q22.1.
Variant type: Duplication.
Identifiers: ClinVar variation 2424788 (VCV002424788.3).